The following is an entry in ClinVar:

ClinVar aggregate classification (germline): Uncertain significance (1 of 4 stars; one submission).

Conditions:
Hereditary cancer-predisposing syndrome. Also called: Neoplastic Syndromes, Hereditary; Tumor predisposition; Hereditary Cancer Syndrome; Hereditary neoplastic syndrome. Identifiers: Orphanet 140162, MedGen C0027672, MeSH D009386, MONDO:0015356.

Submission:

Ambry Genetics
Classification: Uncertain significance for Hereditary cancer-predisposing syndrome. Last evaluated: 2026-02-25. Review status: criteria provided, single submitter. Criteria: Ambry Variant Classification Scheme 2023. Collection method: clinical testing. Allele origin: germline.
Comment: The p.F660V variant (also known as c.1978T>G), located in coding exon 15 of the BAP1 gene, results from a T to G substitution at nucleotide position 1978. The phenylalanine at codon 660 is replaced by valine, an amino acid with highly similar properties. This amino acid position is conserved. In addition, the in silico prediction for this alteration is inconclusive. Based on the available evidence, the clinical significance of this variant remains unclear.

NM_004656.4(BAP1):c.1978T>G (p.Phe660Val)

Gene: BAP1 (BRCA1 associated deubiquitinase 1; minus strand). Cytogenetic location: 3p21.1.
Variant type: single nucleotide variant.
Coding change: c.1978T>G on transcript NM_004656.4 (MANE Select); coding-DNA position 1978, T replaced by G.
Protein change: p.Phe660Val; replaces phenylalanine 660 with valine.
Molecular consequence: missense variant.
Genome position (GRCh38, 1-based): chr3:52,402,784, A>C on the plus strand (T>G on the coding strand, the complement: BAP1 is on the minus strand). VCF-style: chr3-52402784-A-C. GRCh37 (hg19) VCF-style: chr3-52436800-A-C.
Other names: c.1924T>G, p.Phe642Val (NM_001410772.1); short protein forms F642V, F660V.
Identifiers: ClinVar variation 4826572 (VCV004826572.1).